The following is an entry in ClinVar:

ClinVar aggregate classification (germline): Uncertain significance. Review status: criteria provided, multiple submitters, no conflicts (2 of 4 stars). 6 submissions from 6 submitters: Uncertain significance (6). Last evaluated 2025-11-14.

Conditions:
Charcot-Marie-Tooth disease. Also called: Charcot-Marie-Tooth Neuropathy; Charcot-Marie-Tooth Hereditary Neuropathy. Identifiers: Orphanet 166, MedGen C0007959, MONDO:0015626.
MED25-related disorder. Also called: MED25-related condition.
Inborn genetic diseases. Identifiers: MedGen C0950123, MeSH D030342.

Allele frequency attached by ClinVar (database versions not stated): gnomAD exomes below 0.00001.

Submissions (6):

Women's Health and Genetics/Laboratory Corporation of America, LabCorp
Classification: Uncertain significance. Last evaluated: 2025-11-14. Review status: criteria provided, single submitter. Criteria: LabCorp Variant Classification Summary - May 2015. Collection method: clinical testing. Allele origin: germline.
Comment: Variant summary: MED25 c.249A>C (p.Gln83His) results in a non-conservative amino acid change located in the Mediator of RNA polymerase II transcription subunit 25, von Willebrand factor type A domain (IPR021419) of the encoded protein sequence. Algorithms developed to predict the effect of missense changes on protein structure and function are either unavailable or do not agree on the potential impact of this missense change. The variant allele was found at a frequency of 4e-06 in 251442 control chromosomes (gnomAD v2.1). The available data on variant occurrences in the general population are insufficient to allow any conclusion about variant significance. However, this variant has also been observed in at least 2 homozygotes who were unaffected and/or tested for unrelated phenotypes (internal data), therefore it might represent an ethnic-specific polymorphism (underrepresented in gnomAD population data), and is likely not associated with a high penetrance, severe, early onset disease phenotype in homozygous state. To our knowledge, no occurrence of c.249A>C in individuals affected with MED25-related conditions and no experimental evidence demonstrating its impact on protein function have been reported. ClinVar contains an entry for this variant (Variation ID: 916777). Based on the evidence outlined above, the variant was classified as VUS-possibly benign.

PreventionGenetics, part of Exact Sciences
Classification: Uncertain significance for MED25-related condition. Last evaluated: 2025-06-10. Review status: criteria provided, single submitter. Criteria: ACMG Guidelines, 2015. Collection method: clinical testing. Allele origin: germline.
Comment: The MED25 c.249A>C variant is predicted to result in the amino acid substitution p.Gln83His. To our knowledge, this variant has not been reported in the literature. This variant is reported in 0.0% of alleles in individuals of African descent in gnomAD. At this time, the clinical significance of this variant is uncertain due to the absence of conclusive functional and genetic evidence.

Blueprint Genetics
Classification: Uncertain significance. Last evaluated: 2024-11-27. Review status: criteria provided, single submitter. Criteria: ACMG Guidelines, 2015. Collection method: clinical testing. Allele origin: germline.

Ambry Genetics
Classification: Uncertain significance for Inborn genetic diseases. Last evaluated: 2022-04-07. Review status: criteria provided, single submitter. Criteria: Ambry Variant Classification Scheme 2023. Collection method: clinical testing. Allele origin: germline.

GeneDx
Classification: Uncertain significance. Last evaluated: 2022-01-21. Review status: criteria provided, single submitter. Criteria: GeneDx Variant Classification Process June 2021. Collection method: clinical testing. Allele origin: germline. Affected: yes.
Comment: Not observed at significant frequency in large population cohorts (gnomAD); In silico analysis supports that this missense variant does not alter protein structure/function; Has not been previously published as pathogenic or benign to our knowledge

Molecular Genetics Laboratory, London Health Sciences Centre
Classification: Uncertain significance for Charcot-Marie-Tooth disease. Review status: criteria provided, single submitter. Criteria: ACMG Guidelines, 2015. Collection method: clinical testing. Allele origin: germline. Affected: yes.

NM_030973.4(MED25):c.249A>C (p.Gln83His)

Gene: MED25 (mediator complex subunit 25; plus strand). Cytogenetic location: 19q13.33.
Variant type: single nucleotide variant.
Coding change: c.249A>C on transcript NM_030973.4 (MANE Select); coding-DNA position 249, A replaced by C.
Protein change: p.Gln83His; replaces glutamine 83 with histidine.
Molecular consequence: missense variant.
Genome position (GRCh38, 1-based): chr19:49,819,240, A>C. VCF-style: chr19-49819240-A-C. GRCh37 (hg19) VCF-style: chr19-50322497-A-C.
Other names: c.249A>C, p.Gln83His (NM_001378355.1); short protein forms Q83H.
Identifiers: ClinVar variation 916777 (VCV000916777.8), dbSNP rs1291395600, ClinGen allele CA406909609.